The following is an entry in ClinVar:

NM_001267550.2(TTN):c.50614G>C (p.Ala16872Pro)

Genes: TTN-AS1 (TTN antisense RNA 1; plus strand), TTN (titin; minus strand). Cytogenetic location: 2q31.2.
Variant type: single nucleotide variant.
Coding change: c.50614G>C on transcript NM_001267550.2 (MANE Select); coding-DNA position 50614, G replaced by C.
Protein change: p.Ala16872Pro; replaces alanine 16872 with proline.
Molecular consequence: missense variant.
Genome position (GRCh38, 1-based): chr2:178,611,615, C>G on the plus strand (G>C on the coding strand, the complement: TTN is on the minus strand). VCF-style: chr2-178611615-C-G. GRCh37 (hg19) VCF-style: chr2-179476342-C-G.
Other names: c.45691G>C, p.Ala15231Pro (NM_001256850.1); c.23419G>C, p.Ala7807Pro (NM_003319.4); c.23794G>C, p.Ala7932Pro (NM_133432.3); c.23995G>C, p.Ala7999Pro (NM_133437.4); c.42910G>C, p.Ala14304Pro (NM_133378.4); short protein forms A14304P, A16872P, A7807P, A7932P, A7999P, A15231P.
Identifiers: ClinVar variation 166006 (VCV000166006.12), dbSNP rs727503619, ClinGen allele CA178817.

ClinVar aggregate classification (germline): Uncertain significance. Review status: criteria provided, multiple submitters, no conflicts (2 of 4 stars). 5 submissions from 5 submitters: Uncertain significance (5). Last evaluated 2025-12-23.

Conditions:
TTN-related disorder. Also called: TTN-related condition; TTN-related disease; TTN-related disorders.

Allele frequency attached by ClinVar (database versions not stated): gnomAD exomes below 0.00001 and 0.00003; gnomAD 0.00001; TOPMed 0.00001; ExAC 0.00002.
gnomAD v4.1: 40 of 1,612,928 alleles (0.0025%); highest among the groups gnomAD compares: Non-Finnish European, 0.0033%; no homozygotes.

Submissions (5):

PreventionGenetics, part of Exact Sciences
Classification: Uncertain significance for TTN-related condition. Last evaluated: 2025-12-23. Review status: criteria provided, single submitter. Criteria: ACMG Guidelines, 2015. Collection method: clinical testing. Allele origin: germline.
Comment: The TTN c.50614G>C variant is predicted to result in the amino acid substitution p.Ala16872Pro. This variant has been reported as a variant of uncertain significance in an individual with unspecified myopathy (Punetha et al. 2016. PubMed ID: 27854218). This variant has also been reported in an individual with hypertrophic cardiomyopathy; however, this individual also carried truncating variants in genes associated with cardiomyopathy (described as p.Ala7807Pro in Table S4, Lopes et al. 2013. PubMed ID: 23396983). This variant is reported in 0.0016% of alleles in individuals of European (Non-Finnish) descent in gnomAD. At this time, the clinical significance of this variant is uncertain due to the absence of conclusive functional and genetic evidence.

GeneDx
Classification: Uncertain significance. Last evaluated: 2020-07-08. Review status: criteria provided, single submitter. Criteria: GeneDx Variant Classification Process June 2021. Collection method: clinical testing. Allele origin: germline. Affected: yes.
Comment: Reported in published literature (using alternate nomenclature c.50614G>C; p.Ala16872Pro) as heterozygous in a patient with myopathy (Punetha et al., 2016); Not observed at a significant frequency in large population cohorts (Lek et al., 2016); Missense variant in a gene in which most reported pathogenic variants are truncating/loss-of-function; This variant is associated with the following publications: (PMID: 27854218)

Revvity Omics, Revvity
Classification: Uncertain significance. Last evaluated: 2019-07-26. Review status: criteria provided, single submitter. Criteria: ACMG Guidelines, 2015. Collection method: clinical testing. Allele origin: germline.

Center for Genetic Medicine Research, Children's National Medical Center
Classification: Uncertain significance. Last evaluated: 2015-12-01. Review status: criteria provided, single submitter. Criteria: Punetha et al. (J Neuromuscul Dis. 2016). Collection method: research. Allele origin: unknown.

Laboratory for Molecular Medicine, Mass General Brigham Personalized Medicine
Classification: Uncertain significance. Last evaluated: 2014-12-23. Review status: criteria provided, single submitter. Criteria: LMM Criteria. Collection method: clinical testing. Allele origin: germline. Observed: 2 variant alleles.
Comment: This variant has been als o been identified in 2/67594 of European (non-Finnish) chromosomes by the Exome Aggregation Consortium (ExAC). Computational pr ediction tools and conservation analysis do not provide strong support for or ag ainst an impact to the protein. In summary, the clinical significance of the p.A la14304Pro variant is uncertain.